The following is an entry in ClinVar:

NM_001267550.2(TTN):c.76755C>G (p.Asn25585Lys)

Genes: TTN (titin; minus strand), TTN-AS1 (TTN antisense RNA 1; plus strand). Cytogenetic location: 2q31.2.
Variant type: single nucleotide variant.
Coding change: c.76755C>G on transcript NM_001267550.2 (MANE Select); coding-DNA position 76755, C replaced by G.
Protein change: p.Asn25585Lys; replaces asparagine 25585 with lysine.
Molecular consequence: missense variant.
Genome position (GRCh38, 1-based): chr2:178,569,377, G>C on the plus strand (C>G on the coding strand, the complement: TTN is on the minus strand). VCF-style: chr2-178569377-G-C. GRCh37 (hg19) VCF-style: chr2-179434104-G-C.
Other names: c.71832C>G, p.Asn23944Lys (NM_001256850.1); c.49560C>G, p.Asn16520Lys (NM_003319.4); c.69051C>G, p.Asn23017Lys (NM_133378.4); c.49935C>G, p.Asn16645Lys (NM_133432.3); c.50136C>G, p.Asn16712Lys (NM_133437.4); short protein forms N23944K, N25585K, N16520K, N23017K, N16645K, N16712K.
Identifiers: ClinVar variation 1744352 (VCV001744352.2), dbSNP rs1171173179, ClinGen allele CA349614069.

ClinVar aggregate classification (germline): Uncertain significance (1 of 4 stars; one submission).

Conditions:
Cardiovascular phenotype. Identifiers: MedGen CN230736.

Allele frequency attached by ClinVar (database versions not stated): gnomAD 0.00002; TOPMed 0.00003.
gnomAD v4.1: 4 of 1,613,262 alleles (0.00025%); highest among the groups gnomAD compares: African/African-American, 0.0053%; no homozygotes.

Submission:

Ambry Genetics
Classification: Uncertain significance for Cardiovascular phenotype. Last evaluated: 2020-09-16. Review status: criteria provided, single submitter. Criteria: Ambry Variant Classification Scheme 2023. Collection method: clinical testing. Allele origin: germline.
Comment: The p.N16520K variant (also known as c.49560C>G), located in coding exon 153 of the TTN gene, results from a C to G substitution at nucleotide position 49560. The asparagine at codon 16520 is replaced by lysine, an amino acid with similar properties. This amino acid position is highly conserved in available vertebrate species. In addition, this alteration is predicted to be tolerated by in silico analysis. Since supporting evidence is limited at this time, the clinical significance of this alteration remains unclear.